The following is an entry in ClinVar:

NM_016038.4(SBDS):c.200A>G (p.Lys67Arg)

Gene: SBDS (SBDS ribosome maturation factor; minus strand). Cytogenetic location: 7q11.21.
Variant type: single nucleotide variant.
Coding change: c.200A>G on transcript NM_016038.4 (MANE Select); coding-DNA position 200, A replaced by G.
Protein change: p.Lys67Arg; replaces lysine 67 with arginine.
Molecular consequence: missense variant.
Genome position (GRCh38, 1-based): chr7:66,994,270, T>C on the plus strand (A>G on the coding strand, the complement: SBDS is on the minus strand). VCF-style: chr7-66994270-T-C. GRCh37 (hg19) VCF-style: chr7-66459257-T-C.
Other names: short protein forms K67R.
Identifiers: ClinVar variation 4826994 (VCV004826994.1).
Genomic context (GRCh38, chr7:66,994,270, plus strand): 5'-ACCTGCTTACAGATTTCAGTTTGGTCATCTGTTCCAAACGCACTGATGAGATCTTCCTTT[T>C]TGGCAACCTGACCTTTAGAAACATTTACAAACACTGAGTGGGTCTGCAGAACTTCATCGA-3'
Protein context (NP_057122.2, residues 57-77): FVNVSKGQVA[Lys67Arg]KEDLISAFGT

ClinVar aggregate classification (germline): Uncertain significance (1 of 4 stars; one submission).

Conditions:
Inborn genetic diseases. Identifiers: MedGen C0950123, MeSH D030342.

gnomAD v4.1: 1 of 1,614,160 alleles (0.000062%); highest among the groups gnomAD compares: Non-Finnish European, 0.000085%; no homozygotes.

Submission:

Ambry Genetics
Classification: Uncertain significance for Inborn genetic diseases. Last evaluated: 2026-03-12. Review status: criteria provided, single submitter. Criteria: Ambry Variant Classification Scheme 2023. Collection method: clinical testing. Allele origin: germline.
Comment: The p.K67R variant (also known as c.200A>G), located in coding exon 2 of the SBDS gene, results from an A to G substitution at nucleotide position 200. The lysine at codon 67 is replaced by arginine, an amino acid with highly similar properties. This amino acid position is conserved. In addition, the in silico prediction for this alteration is inconclusive. Based on the available evidence, the clinical significance of this variant remains unclear.